The following is an entry in ClinVar:

NM_000051.4(ATM):c.1514T>G (p.Phe505Cys)

Gene: ATM (ATM serine/threonine kinase; plus strand). Cytogenetic location: 11q22.3.
Variant type: single nucleotide variant.
Coding change: c.1514T>G on transcript NM_000051.4 (MANE Select); coding-DNA position 1514, T replaced by G.
Protein change: p.Phe505Cys; replaces phenylalanine 505 with cysteine.
Molecular consequence: missense variant.
Genome position (GRCh38, 1-based): chr11:108,250,979, T>G. VCF-style: chr11-108250979-T-G. GRCh37 (hg19) VCF-style: chr11-108121706-T-G.
Other names: c.1514T>G, p.Phe505Cys (NM_001351834.2); short protein forms F505C.
Identifiers: ClinVar variation 481135 (VCV000481135.6), dbSNP rs1555071109, ClinGen allele CA382534265.
Genomic context (GRCh38, chr11:108,250,979, plus strand): 5'-ATAAAATTTGGTGTATTACCTTTCGTGGTATAAGTTCTGAGCAAATACAAGCTGAAAACT[T>G]TGGCTTACTTGGAGCCATAATTCAGGGTAGTTTAGTTGAGGTTGACAGAGAATTCTGGAA-3'
Protein context (NP_000042.3, residues 495-515): ISSEQIQAEN[Phe505Cys]GLLGAIIQGS

ClinVar aggregate classification (germline): Uncertain significance. Review status: criteria provided, multiple submitters, no conflicts (2 of 4 stars). 2 submissions from 2 submitters: Uncertain significance (2). Last evaluated 2025-10-25.

Conditions:
Hereditary cancer-predisposing syndrome. Also called: Hereditary neoplastic syndrome; Neoplastic Syndromes, Hereditary; Tumor predisposition; Hereditary Cancer Syndrome. Identifiers: Orphanet 140162, MedGen C0027672, MeSH D009386, MONDO:0015356.
Ataxia-telangiectasia syndrome (AT). Also called: LOUIS-BAR SYNDROME; Cerebello-oculocutaneous telangiectasia; Immunodeficiency with ataxia telangiectasia; AT, COMPLEMENTATION GROUP C; Ataxia-telangiectasia, complementation group D; ATAXIA-TELANGIECTASIA, COMPLEMENTATION GROUP A. Identifiers: Orphanet 100, MedGen C0004135, MONDO:0008840, OMIM 208900.

Submissions (2):

Labcorp Genetics (formerly Invitae), Labcorp
Classification: Uncertain significance for Ataxia-telangiectasia syndrome. Last evaluated: 2025-10-25. Review status: criteria provided, single submitter. Criteria: Invitae Variant Classification Sherloc (09022015). Collection method: clinical testing. Allele origin: germline.
Comment: This sequence change replaces phenylalanine, which is neutral and non-polar, with cysteine, which is neutral and slightly polar, at codon 505 of the ATM protein (p.Phe505Cys). This variant is not present in population databases (gnomAD no frequency). This variant has not been reported in the literature in individuals affected with ATM-related conditions. ClinVar contains an entry for this variant (Variation ID: 481135). Invitae Evidence Modeling of protein sequence and biophysical properties (such as structural, functional, and spatial information, amino acid conservation, physicochemical variation, residue mobility, and thermodynamic stability) has been performed for this missense variant. However, the output from this modeling did not meet the statistical confidence thresholds required to predict the impact of this variant on ATM protein function. In summary, the available evidence is currently insufficient to determine the role of this variant in disease. Therefore, it has been classified as a Variant of Uncertain Significance.

Ambry Genetics
Classification: Uncertain significance for Hereditary cancer-predisposing syndrome. Last evaluated: 2017-03-10. Review status: criteria provided, single submitter. Criteria: Ambry Variant Classification Scheme 2023. Collection method: clinical testing. Allele origin: germline.
Comment: The p.F505C variant (also known as c.1514T>G), located in coding exon 9 of the ATM gene, results from a T to G substitution at nucleotide position 1514. The phenylalanine at codon 505 is replaced by cysteine, an amino acid with highly dissimilar properties. This amino acid position is well conserved in available vertebrate species. In addition, the in silico prediction for this alteration is inconclusive. Since supporting evidence is limited at this time, the clinical significance of this alteration remains unclear.